The following is an entry in ClinVar:

NM_015346.4(ZFYVE26):c.4842dup (p.Glu1615fs)

Gene: ZFYVE26 (zinc finger FYVE-type containing 26; minus strand). Cytogenetic location: 14q24.1.
Variant type: Duplication.
Coding change: c.4842dup on transcript NM_015346.4 (MANE Select); coding-DNA position 4842, one base duplicated (A; older notation c.4842dupA).
Protein change: p.Glu1615fs; shifts the reading frame from glutamic acid 1615.
Molecular consequence: frameshift variant.
Genome position (GRCh38, 1-based): chr14:67,777,691, T duplicated on the plus strand (A on the coding strand, the reverse complement: ZFYVE26 is on the minus strand). VCF-style (leftmost placement, unchanged base first): chr14-67777690-C-CT. GRCh37 (hg19) VCF-style: chr14-68244407-C-CT.
Other names: short protein forms E1615fs.
Identifiers: ClinVar variation 5014664 (VCV005014664.1).

ClinVar aggregate classification (germline): Pathogenic (1 of 4 stars; one submission).

Conditions:
Hereditary spastic paraplegia 15 (SPG15). Also called: SPASTIC PARAPLEGIA 15, AUTOSOMAL RECESSIVE; KJELLIN SYNDROME; SPASTIC PARAPLEGIA AND RETINAL DEGENERATION. Identifiers: Orphanet 100996, MedGen C1849128, MONDO:0010044, OMIM 270700.

Submission:

Myriad Genetics, Inc.
Classification: Pathogenic for Hereditary spastic paraplegia 15. Last evaluated: 2025-06-30. Review status: criteria provided, single submitter. Criteria: Myriad Autosomal Dominant, Autosomal Recessive and X-Linked Classification Criteria (2023). Collection method: clinical testing. Allele origin: unknown.
Comment: NM_015346.3(ZFYVE26):c.4842dupA(E1615Rfs*9) is expected to be pathogenic in the context of spastic paraplegia type 15. This variant is predicted to lead to an abnormal or absent protein product due to the creation of a premature termination codon in ZFYVE26, a gene where loss-of-function variants are known to be pathogenic. Please note: this variant was assessed in the context of healthy population screening.